The following is an entry in ClinVar:

ClinVar aggregate classification (germline): Uncertain significance (1 of 4 stars; one submission).

Conditions:
Microcephaly, normal intelligence and immunodeficiency (NBS). Also called: Nijmegen breakage syndrome; Microcephaly with normal intelligence immunodeficiency and lymphoreticular malignancies; Nonsyndromal microcephaly autosomal recessive with normal intelligence; Seemanova syndrome 2; IMMUNODEFICIENCY, MICROCEPHALY, AND CHROMOSOMAL INSTABILITY; SEEMANOVA SYNDROME II. Identifiers: Orphanet 647, MedGen C0398791, MONDO:0009623, OMIM 251260.

Submission:

Labcorp Genetics (formerly Invitae), Labcorp
Classification: Uncertain significance for Microcephaly, normal intelligence and immunodeficiency. Last evaluated: 2024-08-28. Review status: criteria provided, single submitter. Criteria: Invitae Variant Classification Sherloc (09022015). Collection method: clinical testing. Allele origin: germline.
Comment: This sequence change replaces aspartic acid, which is acidic and polar, with valine, which is neutral and non-polar, at codon 586 of the NBN protein (p.Asp586Val). This variant is not present in population databases (gnomAD no frequency). This variant has not been reported in the literature in individuals affected with NBN-related conditions. ClinVar contains an entry for this variant (Variation ID: 1474567). An algorithm developed to predict the effect of missense changes on protein structure and function (PolyPhen-2) suggests that this variant is likely to be tolerated. In summary, the available evidence is currently insufficient to determine the role of this variant in disease. Therefore, it has been classified as a Variant of Uncertain Significance.

NM_002485.5(NBN):c.1757A>T (p.Asp586Val)

Gene: NBN (nibrin; minus strand). Cytogenetic location: 8q21.3.
Variant type: single nucleotide variant.
Coding change: c.1757A>T on transcript NM_002485.5 (MANE Select); coding-DNA position 1757, A replaced by T.
Protein change: p.Asp586Val; replaces aspartic acid 586 with valine.
Molecular consequence: missense variant.
Genome position (GRCh38, 1-based): chr8:89,953,332, T>A on the plus strand (A>T on the coding strand, the complement: NBN is on the minus strand). VCF-style: chr8-89953332-T-A. GRCh37 (hg19) VCF-style: chr8-90965560-T-A.
Other names: c.1511A>T, p.Asp504Val (NM_001024688.3); short protein forms D504V, D586V.
Identifiers: ClinVar variation 1474567 (VCV001474567.6), dbSNP rs1810527909, ClinGen allele CA371655158.